The following is an entry in ClinVar:

NM_016955.4(SEPSECS):c.1168C>T (p.Gln390Ter)

Gene: SEPSECS (Sep (O-phosphoserine) tRNA:Sec (selenocysteine) tRNA synthase; minus strand). Cytogenetic location: 4p15.2.
Variant type: single nucleotide variant.
Coding change: c.1168C>T on transcript NM_016955.4 (MANE Select); coding-DNA position 1168, C replaced by T.
Protein change: p.Gln390Ter; replaces glutamine 390 with a stop codon.
Molecular consequence: nonsense.
Genome position (GRCh38, 1-based): chr4:25,125,737, G>A on the plus strand (C>T on the coding strand, the complement: SEPSECS is on the minus strand). VCF-style: chr4-25125737-G-A. GRCh37 (hg19) VCF-style: chr4-25127359-G-A.
Other names: c.1423C>T, p.Gln475Ter (NM_001410714.1); short protein forms Q390*, Q475*.
Identifiers: ClinVar variation 4061261 (VCV004061261.2).
Genomic context (GRCh38, chr4:25,125,737, plus strand): 5'-ATCTTAAACATACTTACCTGGCTCCAGAAACCTGTCTGGTAAAAAGCATCGAGCCAAGCT[G>A]AGTGACAGCTTTGTCACGGTGTTCATCTAGTGTTTTAAGTGTCATAGCTGAAAAAGAAAA-3'

ClinVar aggregate classification (germline): Likely pathogenic (1 of 4 stars; one submission).

Conditions:
Pontocerebellar hypoplasia type 2D (PCH2D). Also called: Progressive cerebello-cerebral atrophy. Identifiers: Orphanet 247198, Orphanet 2524, MedGen C3151140, MONDO:0013438, OMIM 613811.

gnomAD v4.1: 1 of 1,613,192 alleles (0.000062%); no homozygotes.

Submission:

Natera, Inc.
Classification: Likely pathogenic for Pontocerebellar hypoplasia type 2d. Last evaluated: 2025-02-19. Review status: criteria provided, single submitter. Criteria: Natera Variant Classification Schema (03/2026). Collection method: clinical testing. Allele origin: germline.
Comment: The c.1168C>T variant in SEPSECS is a nonsense variant predicted to introduce a stop codon at amino acid 390. This variant is expected to result in nonsense mediated decay, truncation, or a dysfunctional protein product. This variant is rare in the general population with a frequency below the threshold expected for the associated phenotype(s). Given the available evidence, this variant is classified as Likely Pathogenic.